The following is an entry in ClinVar:

NM_005632.3(CAPN15):c.2247C>T (p.Ser749=)

Gene: CAPN15 (calpain 15; plus strand). Cytogenetic location: 16p13.3.
Variant type: single nucleotide variant.
Coding change: c.2247C>T on transcript NM_005632.3 (MANE Select); coding-DNA position 2247, C replaced by T.
Protein change: p.Ser749=; no amino-acid change (serine 749 retained).
Molecular consequence: synonymous variant.
Genome position (GRCh38, 1-based): chr16:551,566, C>T. VCF-style: chr16-551566-C-T. GRCh37 (hg19) VCF-style: chr16-601566-C-T.
Other names: c.2247C>T (NM_005632.2).
Identifiers: ClinVar variation 2645808 (VCV002645808.26), dbSNP rs142810996, ClinGen allele CA7778643.
Genomic context (GRCh38, chr16:551,566, plus strand): 5'-CTGCAGGCTTCTGCGGCTCCGAAACCCGTGGGGCCGTTTCTCCTGGAACGGCAGCTGGTC[C>T]GACGAGTGGCCACACTGGCCGGGGCACCTGCGTGGCGAGCTCATGCCGCACGGCAGCAGT-3'
Protein context (NP_005623.1, residues 739-759): WGRFSWNGSW[Ser749=]DEWPHWPGHL

ClinVar aggregate classification (germline): Likely benign. Review status: criteria provided, multiple submitters, no conflicts (2 of 4 stars). 3 submissions from 3 submitters: Likely benign (2). 1 of the submissions does not count toward it. Last evaluated 2026-08-01.

Conditions:
CAPN15-related disorder. Also called: CAPN15-related condition.

Allele frequency attached by ClinVar (database versions not stated): ExAC 0.00071; TOPMed 0.00084; gnomAD 0.00087; ESP Exome Variant Server 0.00108; gnomAD exomes 0.00179.
gnomAD v4.1: 2,722 of 1,611,414 alleles (0.17%); highest among the groups gnomAD compares: Non-Finnish European, 0.22%; 3 homozygotes.

Submissions (3):

CeGaT Center for Human Genetics Tuebingen
Classification: Likely benign. Last evaluated: 2026-08-01. Review status: criteria provided, single submitter. Criteria: CeGaT Center For Human Genetics Tuebingen Variant Classification Criteria Version 2. Collection method: clinical testing. Allele origin: germline. Affected: yes. Observed: 4 variant alleles.
Comment: CAPN15: BP4, BP7

Blueprint Genetics
Classification: Likely benign. Last evaluated: 2024-11-20. Review status: criteria provided, single submitter. Criteria: ACMG Guidelines, 2015. Collection method: clinical testing. Allele origin: germline.

PreventionGenetics, part of Exact Sciences
Classification: Likely benign for CAPN15-related condition. Last evaluated: 2019-10-28. Review status: no assertion criteria provided. Collection method: clinical testing. Allele origin: germline. Not counted in ClinVar's aggregate classification.
Comment: This variant is classified as likely benign based on ACMG/AMP sequence variant interpretation guidelines (Richards et al. 2015 PMID: 25741868, with internal and published modifications).